The following is an entry in ClinVar:

NM_020549.5(CHAT):c.753-135A>C

Gene: CHAT (choline O-acetyltransferase; plus strand). Cytogenetic location: 10q11.23.
Variant type: single nucleotide variant.
Coding change: c.753-135A>C on transcript NM_020549.5 (MANE Select); 135 bases into the intron before coding-DNA position 753, A replaced by C.
Molecular consequence: intron variant.
Genome position (GRCh38, 1-based): chr10:49,625,338, A>C. VCF-style: chr10-49625338-A-C. GRCh37 (hg19) VCF-style: chr10-50833384-A-C.
Other names: c.399-135A>C (NM_020984.4, NM_020985.4, NM_020986.4 and 2 more transcripts); c.507-135A>C (NM_001142933.2).
Identifiers: ClinVar variation 678346 (VCV000678346.1), dbSNP rs12265074, ClinGen allele CA206631566.

ClinVar aggregate classification (germline): Benign (1 of 4 stars; one submission).

Allele frequency attached by ClinVar (database versions not stated): gnomAD exomes 0.01072; gnomAD 0.08711 and 0.09316; 1000 Genomes Project 0.09685; TOPMed 0.09931; 1000 Genomes Project 30x 0.09947.
gnomAD v4.1: 20,365 of 784,938 alleles (2.6%); highest among the groups gnomAD compares: African/African-American, 30%; 2,656 homozygotes.

Submission:

GeneDx
Classification: Benign. Last evaluated: 2018-06-19. Review status: criteria provided, single submitter. Criteria: GeneDx Variant Classification (06012015). Collection method: clinical testing. Allele origin: germline. Affected: yes.
Comment: This variant is considered likely benign or benign based on one or more of the following criteria: it is a conservative change, it occurs at a poorly conserved position in the protein, it is predicted to be benign by multiple in silico algorithms, and/or has population frequency not consistent with disease.